The following is an entry in ClinVar:

NM_000051.4(ATM):c.4133C>A (p.Pro1378Gln)

Gene: ATM (ATM serine/threonine kinase; plus strand). Cytogenetic location: 11q22.3.
Variant type: single nucleotide variant.
Coding change: c.4133C>A on transcript NM_000051.4 (MANE Select); coding-DNA position 4133, C replaced by A.
Protein change: p.Pro1378Gln; replaces proline 1378 with glutamine.
Molecular consequence: missense variant.
Genome position (GRCh38, 1-based): chr11:108,289,000, C>A. VCF-style: chr11-108289000-C-A. GRCh37 (hg19) VCF-style: chr11-108159727-C-A.
Other names: c.4133C>A, p.Pro1378Gln (NM_001351834.2); short protein forms P1378Q.
Identifiers: ClinVar variation 3648609 (VCV003648609.2).
Genomic context (GRCh38, chr11:108,289,000, plus strand): 5'-AAAACGATGACTGTATTTTTTCCCTTAACTCTGTTAGGGATTTGGATCCTGCTCCTAATC[C>A]ACCTCATTTTCCATCGCATGTGATTAAAGCAACATTTGCCTATATCAGCAATTGTCATAA-3'
Protein context (NP_000042.3, residues 1368-1388): FSGDLDPAPN[Pro1378Gln]PHFPSHVIKA

ClinVar aggregate classification (germline): Uncertain significance (1 of 4 stars; one submission).

Conditions:
Ataxia-telangiectasia syndrome (AT). Also called: ATAXIA-TELANGIECTASIA, COMPLEMENTATION GROUP A; ATAXIA-TELANGIECTASIA, FRESNO VARIANT; LOUIS-BAR SYNDROME; Ataxia-telangiectasia, complementation group D; Ataxia-telangiectasia, complementation group E; Cerebello-oculocutaneous telangiectasia. Identifiers: Orphanet 100, MedGen C0004135, MONDO:0008840, OMIM 208900.

Submission:

Labcorp Genetics (formerly Invitae), Labcorp
Classification: Uncertain significance for Ataxia-telangiectasia syndrome. Last evaluated: 2024-04-05. Review status: criteria provided, single submitter. Criteria: Invitae Variant Classification Sherloc (09022015). Collection method: clinical testing. Allele origin: germline.
Comment: This sequence change replaces proline, which is neutral and non-polar, with glutamine, which is neutral and polar, at codon 1378 of the ATM protein (p.Pro1378Gln). This variant is not present in population databases (gnomAD no frequency). This variant has not been reported in the literature in individuals affected with ATM-related conditions. An algorithm developed to predict the effect of missense changes on protein structure and function (PolyPhen-2) suggests that this variant is likely to be disruptive. In summary, the available evidence is currently insufficient to determine the role of this variant in disease. Therefore, it has been classified as a Variant of Uncertain Significance.